The following is an entry in ClinVar:

ClinVar aggregate classification (germline): Uncertain significance (1 of 4 stars; one submission).

Allele frequency attached by ClinVar (database versions not stated): ExAC below 0.00001; TOPMed 0.00001.
gnomAD v4.1: 9 of 1,550,796 alleles (0.00058%); highest among the groups gnomAD compares: East Asian, 0.0024%; no homozygotes.

Submission:

Labcorp Genetics (formerly Invitae), Labcorp
Classification: Uncertain significance. Last evaluated: 2025-03-31. Review status: criteria provided, single submitter. Criteria: Invitae Variant Classification Sherloc (09022015). Collection method: clinical testing. Allele origin: germline.
Comment: This sequence change replaces arginine, which is basic and polar, with tryptophan, which is neutral and slightly polar, at codon 223 of the TRAF3IP1 protein (p.Arg223Trp). This variant is not present in population databases (gnomAD no frequency). This variant has not been reported in the literature in individuals affected with TRAF3IP1-related conditions. ClinVar contains an entry for this variant (Variation ID: 960896). Invitae Evidence Modeling of protein sequence and biophysical properties (such as structural, functional, and spatial information, amino acid conservation, physicochemical variation, residue mobility, and thermodynamic stability) has been performed for this missense variant. However, the output from this modeling did not meet the statistical confidence thresholds required to predict the impact of this variant on TRAF3IP1 protein function. In summary, the available evidence is currently insufficient to determine the role of this variant in disease. Therefore, it has been classified as a Variant of Uncertain Significance.

NM_015650.4(TRAF3IP1):c.667C>T (p.Arg223Trp)

Gene: TRAF3IP1 (TRAF3 interacting protein 1; plus strand). Cytogenetic location: 2q37.3.
Variant type: single nucleotide variant.
Coding change: c.667C>T on transcript NM_015650.4 (MANE Select); coding-DNA position 667, C replaced by T.
Protein change: p.Arg223Trp; replaces arginine 223 with tryptophan.
Molecular consequence: missense variant.
Genome position (GRCh38, 1-based): chr2:238,329,094, C>T. VCF-style: chr2-238329094-C-T. GRCh37 (hg19) VCF-style: chr2-239237735-C-T.
Other names: c.667C>T, p.Arg223Trp (NM_001139490.1); short protein forms R223W.
Identifiers: ClinVar variation 960896 (VCV000960896.8), dbSNP rs752223651, ClinGen allele CA2198111.